The following is an entry in ClinVar:

ClinVar aggregate classification (germline): Uncertain significance (1 of 4 stars; one submission).

Conditions:
RASopathy. Also called: Noonan spectrum disorder; rasopathies. Identifiers: Orphanet 536391, MedGen C5555857, MONDO:0021060.

Submission:

Labcorp Genetics (formerly Invitae), Labcorp
Classification: Uncertain significance for RASopathy. Last evaluated: 2024-03-09. Review status: criteria provided, single submitter. Criteria: Invitae Variant Classification Sherloc (09022015). Collection method: clinical testing. Allele origin: germline.
Comment: This sequence change replaces proline, which is neutral and non-polar, with threonine, which is neutral and polar, at codon 417 of the CBL protein (p.Pro417Thr). This variant is not present in population databases (gnomAD no frequency). This variant has not been reported in the literature in individuals affected with CBL-related conditions. Advanced modeling of protein sequence and biophysical properties (such as structural, functional, and spatial information, amino acid conservation, physicochemical variation, residue mobility, and thermodynamic stability) performed at Invitae indicates that this missense variant is expected to disrupt CBL protein function with a positive predictive value of 80%. In summary, the available evidence is currently insufficient to determine the role of this variant in disease. Therefore, it has been classified as a Variant of Uncertain Significance.

NM_005188.4(CBL):c.1249C>A (p.Pro417Thr)

Gene: CBL (Cbl proto-oncogene; plus strand). Cytogenetic location: 11q23.3.
Variant type: single nucleotide variant.
Coding change: c.1249C>A on transcript NM_005188.4 (MANE Select); coding-DNA position 1249, C replaced by A.
Protein change: p.Pro417Thr; replaces proline 417 with threonine.
Molecular consequence: missense variant.
Genome position (GRCh38, 1-based): chr11:119,278,531, C>A. VCF-style: chr11-119278531-C-A. GRCh37 (hg19) VCF-style: chr11-119149241-C-A.
Other names: short protein forms P417T.
Identifiers: ClinVar variation 3713455 (VCV003713455.2).
Genomic context (GRCh38, chr11:119,278,531, plus strand): 5'-TTCAGATGCATCTGTTACTATCTTTTGCTTCTTCTGCAGGAATCAGAAGGTCAGGGCTGT[C>A]CTTTCTGCCGATGTGAAATTAAAGGTACTGAACCCATCGTGGTAGATCCGTTTGATCCTA-3'
Protein context (NP_005179.2, residues 407-427): SWQESEGQGC[Pro417Thr]FCRCEIKGTE